The following is an entry in ClinVar:

NM_001040108.2(MLH3):c.496C>T (p.Leu166=)

Gene: MLH3 (mutL homolog 3; minus strand). Cytogenetic location: 14q24.3.
Variant type: single nucleotide variant.
Coding change: c.496C>T on transcript NM_001040108.2 (MANE Select); coding-DNA position 496, C replaced by T.
Protein change: p.Leu166=; no amino-acid change (leucine 166 retained).
Molecular consequence: synonymous variant.
Genome position (GRCh38, 1-based): chr14:75,049,160, G>A on the plus strand (C>T on the coding strand, the complement: MLH3 is on the minus strand). VCF-style: chr14-75049160-G-A. GRCh37 (hg19) VCF-style: chr14-75515863-G-A.
Other names: c.496C>T, p.Leu166= (NM_014381.3).
Identifiers: ClinVar variation 1744453 (VCV001744453.10), dbSNP rs148089424, ClinGen allele CA7276014.

ClinVar aggregate classification (germline): Benign/Likely benign. Review status: criteria provided, multiple submitters, no conflicts (2 of 4 stars). 4 submissions from 4 submitters: Benign (1); Likely benign (2). 1 of the submissions does not count toward it. Last evaluated 2026-04-28.

Conditions:
MLH3-related disorder. Also called: MLH3-related condition.
Colorectal cancer, hereditary nonpolyposis, type 7. Identifiers: Orphanet 144, MedGen C1858380, MONDO:0013725, OMIM 614385.

Allele frequency attached by ClinVar (database versions not stated): gnomAD exomes below 0.00001; 1000 Genomes Project 0.00020; ExAC 0.00002; gnomAD 0.00007; ESP Exome Variant Server 0.00008; 1000 Genomes Project 30x 0.00016; TOPMed 0.00008.

Submissions (4):

Myriad Genetics, Inc.
Classification: Benign for Colorectal cancer, hereditary nonpolyposis, type 7. Last evaluated: 2026-04-28. Review status: criteria provided, single submitter. Criteria: Myriad Autosomal Dominant, Autosomal Recessive and X-Linked Classification Criteria (2023). Collection method: clinical testing. Allele origin: unknown.
Comment: This variant is considered benign. This variant is a silent/synonymous amino acid change and it is not expected to impact splicing.

Labcorp Genetics (formerly Invitae), Labcorp
Classification: Likely benign for Colorectal cancer, hereditary nonpolyposis, type 7. Last evaluated: 2024-11-12. Review status: criteria provided, single submitter. Criteria: Invitae Variant Classification Sherloc (09022015). Collection method: clinical testing. Allele origin: germline.

Ambry Genetics
Classification: Likely benign. Last evaluated: 2020-12-08. Review status: criteria provided, single submitter. Criteria: Ambry Variant Classification Scheme 2023. Collection method: clinical testing. Allele origin: germline.

PreventionGenetics, part of Exact Sciences
Classification: Likely benign for MLH3-related condition. Last evaluated: 2019-08-13. Review status: no assertion criteria provided. Collection method: clinical testing. Allele origin: germline. Not counted in ClinVar's aggregate classification.
Comment: This variant is classified as likely benign based on ACMG/AMP sequence variant interpretation guidelines (Richards et al. 2015 PMID: 25741868, with internal and published modifications).